The following is an entry in ClinVar:

NM_001297719.2(BMAL1):c.629C>T (p.Ser210Phe)

Gene: BMAL1 (basic helix-loop-helix ARNT like 1; plus strand). Cytogenetic location: 11p15.3.
Variant type: single nucleotide variant.
Coding change: c.629C>T on transcript NM_001297719.2 (MANE Select); coding-DNA position 629, C replaced by T.
Protein change: p.Ser210Phe; replaces serine 210 with phenylalanine.
Molecular consequence: missense variant. On other transcripts: 5 prime UTR variant (1), non-coding transcript variant (7).
Genome position (GRCh38, 1-based): chr11:13,366,741, C>T. VCF-style: chr11-13366741-C-T. GRCh37 (hg19) VCF-style: chr11-13388288-C-T.
Other names: c.629C>T, p.Ser210Phe (NM_001030272.3, NM_001178.6, NM_001297722.2 and 8 more transcripts); c.500C>T, p.Ser167Phe (NM_001030273.3, NM_001297724.2, NM_001351808.2 and 7 more transcripts); c.590C>T, p.Ser197Phe (NM_001351805.2, NM_001351806.2); c.578C>T, p.Ser193Phe (NM_001351809.2, NM_001351812.2); c.-43C>T (NM_001351811.2); short protein forms S167F, S210F, S193F, S197F.
Identifiers: ClinVar variation 5008315 (VCV005008315.1).

ClinVar aggregate classification (germline): Uncertain significance (1 of 4 stars; one submission).

Submission:

GeneDx
Classification: Uncertain significance. Last evaluated: 2026-03-01. Review status: criteria provided, single submitter. Criteria: GeneDx Variant Classification Process June 2021. Collection method: clinical testing. Allele origin: germline.
Comment: Not observed at significant frequency in large population cohorts (gnomAD); In silico analysis supports that this missense variant has a deleterious effect on protein structure/function; Has not been previously published as pathogenic or benign to our knowledge